The following is an entry in ClinVar:

ClinVar aggregate classification (germline): Uncertain significance (1 of 4 stars; one submission).

Submission:

Labcorp Genetics (formerly Invitae), Labcorp
Classification: Uncertain significance. Last evaluated: 2022-02-28. Review status: criteria provided, single submitter. Criteria: Invitae Variant Classification Sherloc (09022015). Collection method: clinical testing. Allele origin: germline.
Comment: In summary, the available evidence is currently insufficient to determine the role of this variant in disease. Therefore, it has been classified as a Variant of Uncertain Significance. Algorithms developed to predict the effect of missense changes on protein structure and function are either unavailable or do not agree on the potential impact of this missense change (SIFT: "Deleterious"; PolyPhen-2: "Probably Damaging"; Align-GVGD: "Class C0"). This variant has not been reported in the literature in individuals affected with POLE-related conditions. This variant is not present in population databases (gnomAD no frequency). This sequence change replaces proline, which is neutral and non-polar, with serine, which is neutral and polar, at codon 2100 of the POLE protein (p.Pro2100Ser).

NM_006231.4(POLE):c.6298C>T (p.Pro2100Ser)

Gene: POLE (DNA polymerase epsilon, catalytic subunit; minus strand). Cytogenetic location: 12q24.33.
Variant type: single nucleotide variant.
Coding change: c.6298C>T on transcript NM_006231.4 (MANE Select); coding-DNA position 6298, C replaced by T.
Protein change: p.Pro2100Ser; replaces proline 2100 with serine.
Molecular consequence: missense variant.
Genome position (GRCh38, 1-based): chr12:132,632,347, G>A on the plus strand (C>T on the coding strand, the complement: POLE is on the minus strand). VCF-style: chr12-132632347-G-A. GRCh37 (hg19) VCF-style: chr12-133208933-G-A.
Other names: short protein forms P2100S.
Identifiers: ClinVar variation 2418287 (VCV002418287.6), dbSNP rs562071800, ClinGen allele CA387369307.